The following is an entry in ClinVar:

NM_170699.3(GPBAR1):c.222G>A (p.Leu74=)

Gene: GPBAR1 (G protein-coupled bile acid receptor 1; plus strand). Cytogenetic location: 2q35.
Variant type: single nucleotide variant.
Coding change: c.222G>A on transcript NM_170699.3 (MANE Select); coding-DNA position 222, G replaced by A.
Protein change: p.Leu74=; no amino-acid change (leucine 74 retained).
Molecular consequence: synonymous variant.
Genome position (GRCh38, 1-based): chr2:218,262,946, G>A. VCF-style: chr2-218262946-G-A. GRCh37 (hg19) VCF-style: chr2-219127669-G-A.
Other names: c.222G>A, p.Leu74= (NM_001077191.2, NM_001077194.2, NM_001321950.2).
Identifiers: ClinVar variation 3040876 (VCV003040876.2), dbSNP rs746731355, ClinGen allele CA2102539.

ClinVar aggregate classification (germline): Likely benign (0 of 4 stars; one submission).

Conditions:
GPBAR1-related disorder. Also called: GPBAR1-related condition.

Allele frequency attached by ClinVar (database versions not stated): ExAC 0.00009; gnomAD exomes 0.00011; TOPMed 0.00012; gnomAD 0.00014.

Submission:

PreventionGenetics, part of Exact Sciences
Classification: Likely benign for GPBAR1-related condition. Last evaluated: 2019-09-09. Review status: no assertion criteria provided. Collection method: clinical testing. Allele origin: germline.
Comment: This variant is classified as likely benign based on ACMG/AMP sequence variant interpretation guidelines (Richards et al. 2015 PMID: 25741868, with internal and published modifications).